The following is an entry in ClinVar:

ClinVar aggregate classification (germline): Uncertain significance. Review status: criteria provided, multiple submitters, no conflicts (2 of 4 stars). 2 submissions from 2 submitters: Uncertain significance (2). Last evaluated 2024-09-23.

Conditions:
Hereditary cancer-predisposing syndrome. Also called: Neoplastic Syndromes, Hereditary; Tumor predisposition; Hereditary neoplastic syndrome; Hereditary Cancer Syndrome. Identifiers: Orphanet 140162, MedGen C0027672, MeSH D009386, MONDO:0015356.

gnomAD v4.1: 1 of 1,613,950 alleles (0.000062%); highest among the groups gnomAD compares: Middle Eastern, 0.017%; no homozygotes.

Submissions (2):

Labcorp Genetics (formerly Invitae), Labcorp
Classification: Uncertain significance for Hereditary cancer-predisposing syndrome. Last evaluated: 2024-09-23. Review status: criteria provided, single submitter. Criteria: Invitae Variant Classification Sherloc (09022015). Collection method: clinical testing. Allele origin: germline.
Comment: This sequence change replaces phenylalanine, which is neutral and non-polar, with leucine, which is neutral and non-polar, at codon 1097 of the RAD50 protein (p.Phe1097Leu). This variant is not present in population databases (gnomAD no frequency). This variant has not been reported in the literature in individuals affected with RAD50-related conditions. ClinVar contains an entry for this variant (Variation ID: 1370081). Invitae Evidence Modeling of protein sequence and biophysical properties (such as structural, functional, and spatial information, amino acid conservation, physicochemical variation, residue mobility, and thermodynamic stability) indicates that this missense variant is not expected to disrupt RAD50 protein function with a negative predictive value of 80%. In summary, the available evidence is currently insufficient to determine the role of this variant in disease. Therefore, it has been classified as a Variant of Uncertain Significance.

Ambry Genetics
Classification: Uncertain significance for Hereditary cancer-predisposing syndrome. Last evaluated: 2024-02-24. Review status: criteria provided, single submitter. Criteria: Ambry Variant Classification Scheme 2023. Collection method: clinical testing. Allele origin: germline.
Comment: The p.F1097L variant (also known as c.3291T>G), located in coding exon 21 of the RAD50 gene, results from a T to G substitution at nucleotide position 3291. The phenylalanine at codon 1097 is replaced by leucine, an amino acid with highly similar properties. This amino acid position is well conserved in available vertebrate species. In addition, this alteration is predicted to be tolerated by in silico analysis. Since supporting evidence is limited at this time, the clinical significance of this alteration remains unclear.

NM_005732.4(RAD50):c.3291T>G (p.Phe1097Leu)

Gene: RAD50 (RAD50 double strand break repair protein; plus strand). Cytogenetic location: 5q31.1.
Variant type: single nucleotide variant.
Coding change: c.3291T>G on transcript NM_005732.4 (MANE Select); coding-DNA position 3291, T replaced by G.
Protein change: p.Phe1097Leu; replaces phenylalanine 1097 with leucine.
Molecular consequence: missense variant.
Genome position (GRCh38, 1-based): chr5:132,618,196, T>G. VCF-style: chr5-132618196-T-G. GRCh37 (hg19) VCF-style: chr5-131953888-T-G.
Other names: short protein forms F1097L.
Identifiers: ClinVar variation 1370081 (VCV001370081.8), dbSNP rs1751212134, ClinGen allele CA360964727.
Genomic context (GRCh38, chr5:132,618,196, plus strand): 5'-ACAGAAAGGTTATGAAGAAGAAATTATTCATTTTAAGAAAGAACTTCGAGAACCACAATT[T>G]CGGGATGCTGAGGAAAAGTATAGAGAAATGATGATTGTTATGAGGACAACAGAACTTGTG-3'
Protein context (NP_005723.2, residues 1087-1107): HFKKELREPQ[Phe1097Leu]RDAEEKYREM